The following is an entry in ClinVar:

ClinVar aggregate classification (germline): Uncertain significance. Review status: criteria provided, multiple submitters, no conflicts (2 of 4 stars). 3 submissions from 3 submitters: Uncertain significance (3). Last evaluated 2025-07-10.

Conditions:
Frontometaphyseal dysplasia (FMD1). Identifiers: Orphanet 1826, MedGen C0265293, MONDO:0015942.
Heterotopia, periventricular, X-linked dominant (PVNH1). Also called: PERIVENTRICULAR NODULAR HETEROTOPIA 1; PERIVENTRICULAR NODULAR HETEROTOPIA 4; HETEROTOPIA, PERIVENTRICULAR, 1; X-linked periventricular heterotopia. Identifiers: Orphanet 2149, Orphanet 82004, MedGen C1848213, MONDO:0010233, OMIM 300049.
Melnick-Needles syndrome (MNS). Also called: OSTEODYSPLASTY OF MELNICK AND NEEDLES; Melnick-Needles Syndrome (FLNA-MNS); MELNICK-NEEDLES OSTEODYSPLASTY. Identifiers: Orphanet 2484, MedGen C0025237, MONDO:0010650, OMIM 309350.
Oto-palato-digital syndrome, type II (OPD2). Also called: Otopalatodigital Syndrome Type 2 (FLNA-OPD2); FACIOPALATOOSSEOUS SYNDROME; OPD II SYNDROME; Otopalatodigital Syndrome, Type II. Identifiers: Orphanet 669, Orphanet 90652, MedGen C1844696, MONDO:0010571, OMIM 304120.
FLNA-related disorder.
Intellectual disability. Also called: Intellectual functioning disability; Intellectual developmental disorder; intellectual disabilities. Identifiers: MedGen C3714756, MeSH D008607, MONDO:0001071, HP:0001249.

Allele frequency attached by ClinVar (database versions not stated): TOPMed 0.00001.

Submissions (3):

PreventionGenetics, part of Exact Sciences
Classification: Uncertain significance for FLNA-related condition. Last evaluated: 2025-07-10. Review status: criteria provided, single submitter. Criteria: ACMG Guidelines, 2015. Collection method: clinical testing. Allele origin: germline.
Comment: The FLNA c.2764G>C variant is predicted to result in the amino acid substitution p.Asp922His. To our knowledge, this variant has not been reported in the literature or in a large population database (gnomAD), indicating this variant is rare. At this time, the clinical significance of this variant is uncertain due to the absence of conclusive functional and genetic evidence.

Labcorp Genetics (formerly Invitae), Labcorp
Classification: Uncertain significance for Oto-palato-digital syndrome, type II; Heterotopia, periventricular, X-linked dominant; Frontometaphyseal dysplasia; Melnick-Needles syndrome. Last evaluated: 2025-02-25. Review status: criteria provided, single submitter. Criteria: Invitae Variant Classification Sherloc (09022015). Collection method: clinical testing. Allele origin: germline.
Comment: This sequence change replaces aspartic acid, which is acidic and polar, with histidine, which is basic and polar, at codon 922 of the FLNA protein (p.Asp922His). This variant is not present in population databases (gnomAD no frequency). This variant has not been reported in the literature in individuals affected with FLNA-related conditions. ClinVar contains an entry for this variant (Variation ID: 649948). Invitae Evidence Modeling of protein sequence and biophysical properties (such as structural, functional, and spatial information, amino acid conservation, physicochemical variation, residue mobility, and thermodynamic stability) indicates that this missense variant is not expected to disrupt FLNA protein function with a negative predictive value of 95%. In summary, the available evidence is currently insufficient to determine the role of this variant in disease. Therefore, it has been classified as a Variant of Uncertain Significance.

Diagnostic Laboratory, Strasbourg University Hospital
Classification: Uncertain significance for Intellectual disability. Last evaluated: 2020-09-10. Review status: criteria provided, single submitter. Criteria: ACMG Guidelines, 2015. Collection method: clinical testing. Allele origin: maternal. Affected: yes. Observed: 1 hemizygote.

NM_001110556.2(FLNA):c.2764G>C (p.Asp922His)

Gene: FLNA (filamin A; minus strand). Cytogenetic location: Xq28.
Variant type: single nucleotide variant.
Coding change: c.2764G>C on transcript NM_001110556.2 (MANE Select); coding-DNA position 2764, G replaced by C.
Protein change: p.Asp922His; replaces aspartic acid 922 with histidine.
Molecular consequence: missense variant.
Genome position (GRCh38, 1-based): chrX:154,362,041, C>G on the plus strand (G>C on the coding strand, the complement: FLNA is on the minus strand). VCF-style: chrX-154362041-C-G. GRCh37 (hg19) VCF-style: chrX-153590409-C-G.
Other names: c.2764G>C, p.Asp922His (NM_001456.4); short protein forms D922H.
Identifiers: ClinVar variation 649948 (VCV000649948.4), dbSNP rs1557178146, ClinGen allele CA415232763.
Genomic context (GRCh38, chrX:154,362,041, plus strand): 5'-GCTGGACAGGCGTGTACTTGACTGTGTAGGTGTTGTCATGGTGGTCGATGATGTCCACAT[C>G]TCGCACTGCATCCCCCTTGGTGAGTCCTGAGAACTGGACGTCCAGCTTGCCTTTGCCAGC-3'
Protein context (NP_001104026.1, residues 912-932): SGLTKGDAVR[Asp922His]VDIIDHHDNT